The following is an entry in ClinVar:

ClinVar aggregate classification (germline): Likely benign (1 of 4 stars; one submission).

gnomAD v4.1: 8,175 of 1,610,934 alleles (0.51%); highest among the groups gnomAD compares: Non-Finnish European, 0.57%; 25 homozygotes.

Submission:

Mayo Clinic Laboratories, Mayo Clinic
Classification: Likely benign. Last evaluated: 2025-06-04. Review status: criteria provided, single submitter. Criteria: ACMG Guidelines, 2015. Collection method: clinical testing. Allele origin: germline. Observed: 2 variant alleles.
Comment: BA1, BS2, BP7

NM_001062.4(TCN1):c.1121+23G>C

Gene: TCN1 (transcobalamin 1; minus strand). Cytogenetic location: 11q12.1.
Variant type: single nucleotide variant.
Coding change: c.1121+23G>C on transcript NM_001062.4 (MANE Select); 23 bases into the intron after coding-DNA position 1121, G replaced by C.
Molecular consequence: intron variant.
Genome position (GRCh38, 1-based): chr11:59,854,629, C>G on the plus strand (G>C on the coding strand, the complement: TCN1 is on the minus strand). VCF-style: chr11-59854629-C-G. GRCh37 (hg19) VCF-style: chr11-59622102-C-G.
Other names: p.?.
Identifiers: ClinVar variation 4683627 (VCV004683627.1).